The following is an entry in ClinVar:

ClinVar aggregate classification (germline): Uncertain significance. Review status: criteria provided, multiple submitters, no conflicts (2 of 4 stars). 2 submissions from 2 submitters: Uncertain significance (2). Last evaluated 2025-04-21.

Allele frequency attached by ClinVar (database versions not stated): gnomAD exomes below 0.00001; ExAC 0.00001; TOPMed 0.00001; gnomAD 0.00003.

Submissions (2):

Labcorp Genetics (formerly Invitae), Labcorp
Classification: Uncertain significance. Last evaluated: 2025-04-21. Review status: criteria provided, single submitter. Criteria: Invitae Variant Classification Sherloc (09022015). Collection method: clinical testing. Allele origin: germline.
Comment: This sequence change replaces arginine, which is basic and polar, with lysine, which is basic and polar, at codon 1282 of the LAMA1 protein (p.Arg1282Lys). This variant is not present in population databases (gnomAD no frequency). This variant has not been reported in the literature in individuals affected with LAMA1-related conditions. ClinVar contains an entry for this variant (Variation ID: 1406548). Invitae Evidence Modeling of protein sequence and biophysical properties (such as structural, functional, and spatial information, amino acid conservation, physicochemical variation, residue mobility, and thermodynamic stability) indicates that this missense variant is not expected to disrupt LAMA1 protein function with a negative predictive value of 80%. In summary, the available evidence is currently insufficient to determine the role of this variant in disease. Therefore, it has been classified as a Variant of Uncertain Significance.

Blueprint Genetics
Classification: Uncertain significance. Last evaluated: 2022-05-31. Review status: criteria provided, single submitter. Criteria: ACMG Guidelines, 2015. Collection method: clinical testing. Allele origin: germline.

NM_005559.4(LAMA1):c.3845G>A (p.Arg1282Lys)

Gene: LAMA1 (laminin subunit alpha 1; minus strand). Cytogenetic location: 18p11.31.
Variant type: single nucleotide variant.
Coding change: c.3845G>A on transcript NM_005559.4 (MANE Select); coding-DNA position 3845, G replaced by A.
Protein change: p.Arg1282Lys; replaces arginine 1282 with lysine.
Molecular consequence: missense variant.
Genome position (GRCh38, 1-based): chr18:7,010,228, C>T on the plus strand (G>A on the coding strand, the complement: LAMA1 is on the minus strand). VCF-style: chr18-7010228-C-T. GRCh37 (hg19) VCF-style: chr18-7010227-C-T.
Other names: short protein forms R1282K.
Identifiers: ClinVar variation 1406548 (VCV001406548.7), dbSNP rs774490574, ClinGen allele CA8882131.